The following is an entry in ClinVar:

NM_020937.4(FANCM):c.1424A>G (p.Asp475Gly)

Gene: FANCM (FA complementation group M; plus strand). Cytogenetic location: 14q21.2.
Variant type: single nucleotide variant.
Coding change: c.1424A>G on transcript NM_020937.4 (MANE Select); coding-DNA position 1424, A replaced by G.
Protein change: p.Asp475Gly; replaces aspartic acid 475 with glycine.
Molecular consequence: missense variant.
Genome position (GRCh38, 1-based): chr14:45,159,123, A>G. VCF-style: chr14-45159123-A-G. GRCh37 (hg19) VCF-style: chr14-45628326-A-G.
Other names: c.1346A>G, p.Asp449Gly (NM_001308133.2); c.1424A>G, p.Asp475Gly (NM_001308134.2); short protein forms D449G, D475G.
Identifiers: ClinVar variation 3367893 (VCV003367893.2).

ClinVar aggregate classification (germline): Uncertain significance. Review status: criteria provided, multiple submitters, no conflicts (2 of 4 stars). 2 submissions from 2 submitters: Uncertain significance (2). Last evaluated 2026-07-18.

Conditions:
Inborn genetic diseases. Identifiers: MedGen C0950123, MeSH D030342.

Submissions (2):

Ambry Genetics
Classification: Uncertain significance for Inborn genetic diseases. Last evaluated: 2026-07-18. Review status: criteria provided, single submitter. Criteria: Ambry Variant Classification Scheme 2023. Collection method: clinical testing. Allele origin: germline.
Comment: The p.D475G variant (also known as c.1424A>G), located in coding exon 9 of the FANCM gene, results from an A to G substitution at nucleotide position 1424. The aspartic acid at codon 475 is replaced by glycine, an amino acid with similar properties. This amino acid position is conserved. In addition, this alteration is predicted to be tolerated by in silico analysis. Based on the available evidence, the clinical significance of this variant remains unclear.

GeneDx
Classification: Uncertain significance. Last evaluated: 2024-01-12. Review status: criteria provided, single submitter. Criteria: GeneDx Variant Classification Process June 2021. Collection method: clinical testing. Allele origin: germline. Affected: yes.
Comment: Not observed at significant frequency in large population cohorts (gnomAD); In silico analysis supports that this missense variant does not alter protein structure/function; Has not been previously published as pathogenic or benign to our knowledge